The following is an entry in ClinVar:

ClinVar aggregate classification (germline): Uncertain significance (1 of 4 stars; one submission).

Conditions:
Hereditary cancer-predisposing syndrome. Also called: Tumor predisposition; Hereditary Cancer Syndrome; Hereditary neoplastic syndrome; Neoplastic Syndromes, Hereditary. Identifiers: Orphanet 140162, MedGen C0027672, MeSH D009386, MONDO:0015356.

gnomAD v4.1: 2 of 1,611,758 alleles (0.00012%); highest among the groups gnomAD compares: South Asian, 0.0022%; no homozygotes.

Submission:

Ambry Genetics
Classification: Uncertain significance for Hereditary cancer-predisposing syndrome. Last evaluated: 2024-05-04. Review status: criteria provided, single submitter. Criteria: Ambry Variant Classification Scheme 2023. Collection method: clinical testing. Allele origin: germline.
Comment: The p.I143L variant (also known as c.427A>C), located in coding exon 5 of the PMS2 gene, results from an A to C substitution at nucleotide position 427. The isoleucine at codon 143 is replaced by leucine, an amino acid with highly similar properties. This amino acid position is conserved. In addition, this alteration is predicted to be tolerated by in silico analysis. Based on the available evidence, the clinical significance of this variant remains unclear.

NM_000535.7(PMS2):c.427A>C (p.Ile143Leu)

Gene: PMS2 (PMS1 homolog 2, mismatch repair system component; minus strand). Cytogenetic location: 7p22.1.
Variant type: single nucleotide variant.
Coding change: c.427A>C on transcript NM_000535.7 (MANE Select); coding-DNA position 427, A replaced by C.
Protein change: p.Ile143Leu; replaces isoleucine 143 with leucine.
Molecular consequence: missense variant. On other transcripts: 5 prime UTR variant (2), non-coding transcript variant (1), intron variant (1).
Genome position (GRCh38, 1-based): chr7:6,002,563, T>G on the plus strand (A>C on the coding strand, the complement: PMS2 is on the minus strand). VCF-style: chr7-6002563-T-G. GRCh37 (hg19) VCF-style: chr7-6042194-T-G.
Other names: c.118A>C, p.Ile40Leu (NM_001406900.1, NM_001406880.1, NM_001406881.1 and 6 more transcripts); c.109A>C, p.Ile37Leu (NM_001406901.1, NM_001406902.1, NM_001406903.1 and 4 more transcripts); c.22A>C, p.Ile8Leu (NM_001406904.1, NM_001406905.1, NM_001406906.1 and 24 more transcripts); c.427A>C, p.Ile143Leu (NM_001406884.1, NM_001406886.1, NM_001322006.2 and 8 more transcripts); c.-458A>C (NM_001322011.2, NM_001322012.2); c.613A>C, p.Ile205Leu (NM_001406866.1); c.451A>C, p.Ile151Leu (NM_001406868.1); c.250+1409A>C (NM_001406885.1); short protein forms I205L, I40L, I143L, I8L, I37L, I151L.
Identifiers: ClinVar variation 3308103 (VCV003308103.1).